The following is an entry in ClinVar:

NM_000297.4(PKD2):c.1319+5G>A

Gene: PKD2 (polycystin 2, transient receptor potential cation channel; plus strand). Cytogenetic location: 4q22.1.
Variant type: single nucleotide variant.
Coding change: c.1319+5G>A on transcript NM_000297.4 (MANE Select); 5 bases into the intron after coding-DNA position 1319, G replaced by A.
Molecular consequence: intron variant.
Genome position (GRCh38, 1-based): chr4:88,043,462, G>A. VCF-style: chr4-88043462-G-A. GRCh37 (hg19) VCF-style: chr4-88964614-G-A.
Identifiers: ClinVar variation 1305395 (VCV001305395.2), dbSNP rs2110112343, ClinGen allele CA2573052373.
Genomic context (GRCh38, chr4:88,043,462, plus strand): 5'-ACTTTTATTGACTTCTCAGTGTACAACGCCAACATTAACCTGTTCTGTGTGGTCAGGTGT[G>A]TACTGAGGACATGCATCCCTCCTATTTCTGTGTGGTTGTACATACATCCTATTCTGGGGT-3'

ClinVar aggregate classification (germline): Uncertain significance (1 of 4 stars; one submission).

Submission:

GeneDx
Classification: Uncertain significance. Last evaluated: 2019-04-26. Review status: criteria provided, single submitter. Criteria: GeneDx Variant Classification Process June 2021. Collection method: clinical testing. Allele origin: germline. Affected: yes.
Comment: Not observed in large population cohorts (Lek et al., 2016); In silico analysis, which includes splice predictors and evolutionary conservation, supports a deleterious effect. In the absence of RNA/functional studies, the actual effect of this sequence change is unknown; Has not been previously published as pathogenic or benign to our knowledge